The following is an entry in ClinVar:

ClinVar aggregate classification (germline): Uncertain significance. Review status: criteria provided, multiple submitters, no conflicts (2 of 4 stars). 2 submissions from 2 submitters: Uncertain significance (2). Last evaluated 2025-04-03.

Conditions:
Inborn genetic diseases. Identifiers: MedGen C0950123, MeSH D030342.

gnomAD v4.1: 7 of 1,613,838 alleles (0.00043%); highest among the groups gnomAD compares: South Asian, 0.0011%; no homozygotes.

Submissions (2):

Ambry Genetics
Classification: Uncertain significance for Inborn genetic diseases. Last evaluated: 2025-04-03. Review status: criteria provided, single submitter. Criteria: Ambry Variant Classification Scheme 2023. Collection method: clinical testing. Allele origin: germline.

Labcorp Genetics (formerly Invitae), Labcorp
Classification: Uncertain significance. Last evaluated: 2024-05-29. Review status: criteria provided, single submitter. Criteria: Invitae Variant Classification Sherloc (09022015). Collection method: clinical testing. Allele origin: germline.
Comment: This sequence change replaces alanine, which is neutral and non-polar, with threonine, which is neutral and polar, at codon 492 of the GGCX protein (p.Ala492Thr). This variant is present in population databases (rs150990432, gnomAD 0.002%). This variant has not been reported in the literature in individuals affected with GGCX-related conditions. Algorithms developed to predict the effect of missense changes on protein structure and function output the following: SIFT: "Not Available"; PolyPhen-2: "Benign"; Align-GVGD: "Not Available". The threonine amino acid residue is found in multiple mammalian species, which suggests that this missense change does not adversely affect protein function. In summary, the available evidence is currently insufficient to determine the role of this variant in disease. Therefore, it has been classified as a Variant of Uncertain Significance.

NM_000821.7(GGCX):c.1474G>A (p.Ala492Thr)

Gene: GGCX (gamma-glutamyl carboxylase; minus strand). Cytogenetic location: 2p11.2.
Variant type: single nucleotide variant.
Coding change: c.1474G>A on transcript NM_000821.7 (MANE Select); coding-DNA position 1474, G replaced by A.
Protein change: p.Ala492Thr; replaces alanine 492 with threonine.
Molecular consequence: missense variant.
Genome position (GRCh38, 1-based): chr2:85,551,947, C>T on the plus strand (G>A on the coding strand, the complement: GGCX is on the minus strand). VCF-style: chr2-85551947-C-T. GRCh37 (hg19) VCF-style: chr2-85779070-C-T.
Other names: c.1474G>A (NM_000821.5); c.1303G>A, p.Ala435Thr (NM_001142269.4); short protein forms A435T, A492T.
Identifiers: ClinVar variation 3719422 (VCV003719422.3).